The following is an entry in ClinVar:

ClinVar aggregate classification (germline): Benign/Likely benign. Review status: criteria provided, multiple submitters, no conflicts (2 of 4 stars). 3 submissions from 3 submitters: Benign (2); Likely benign (1). Last evaluated 2021-05-12.

Conditions:
Mucopolysaccharidosis, MPS-IV-A (MPS4A). Also called: Mucopolysaccharidosis type IV A; Mucopolysaccharidosis Type IVA; Morquio syndrome A, mild; MORQUIO SYNDROME A; MPS IVA; mucopolysaccharidosis type 4A. Identifiers: Orphanet 309297, Orphanet 582, MedGen C0086651, MONDO:0009659, OMIM 253000.

Allele frequency attached by ClinVar (database versions not stated): gnomAD exomes 0.00261; gnomAD 0.02015 and 0.02153; TOPMed 0.02330; 1000 Genomes Project 0.02616; 1000 Genomes Project 30x 0.02764.
gnomAD v4.1: 4,031 of 507,384 alleles (0.79%); highest among the groups gnomAD compares: African/African-American, 7%; 143 homozygotes.

Submissions (3):

GeneDx
Classification: Benign. Last evaluated: 2021-05-12. Review status: criteria provided, single submitter. Criteria: GeneDx Variant Classification Process June 2021. Collection method: clinical testing. Allele origin: germline. Affected: yes.

Illumina Laboratory Services, Illumina
Classification: Benign for Mucopolysaccharidosis, MPS-IV-A. Last evaluated: 2018-01-13. Review status: criteria provided, single submitter. Criteria: ICSL Variant Classification Criteria 13 December 2019. Collection method: clinical testing. Allele origin: germline.
Comment: This variant was observed in the ICSL laboratory as part of a predisposition screen in an ostensibly healthy population. It had not been previously curated by ICSL or reported in the Human Gene Mutation Database (HGMD: prior to June 1st, 2018), and was therefore a candidate for classification through an automated scoring system. Utilizing variant allele frequency, disease prevalence and penetrance estimates, and inheritance mode, an automated score was calculated to assess if this variant is too frequent to cause the disease. Based on the score and internal cut-off values, a variant classified as benign is not then subjected to further curation. The score for this variant resulted in a classification of benign for this disease.

Breakthrough Genomics
Classification: Likely benign. Review status: criteria provided, single submitter. Criteria: ACMG Guidelines, 2015. Collection method: not provided. Allele origin: germline. Inheritance: Autosomal recessive inheritance. Affected: yes.

NM_000512.5(GALNS):c.*296A>G

Gene: GALNS (galactosamine (N-acetyl)-6-sulfatase; minus strand). Cytogenetic location: 16q24.3.
Variant type: single nucleotide variant.
Coding change: c.*296A>G on transcript NM_000512.5 (MANE Select); 296 bases downstream of the stop codon, A replaced by G.
Molecular consequence: 3 prime UTR variant.
Genome position (GRCh38, 1-based): chr16:88,814,143, T>C on the plus strand (A>G on the coding strand, the complement: GALNS is on the minus strand). VCF-style: chr16-88814143-T-C. GRCh37 (hg19) VCF-style: chr16-88880551-T-C.
Other names: c.*296A>G (NM_001323543.2, NM_001323544.2).
Identifiers: ClinVar variation 321177 (VCV000321177.9), dbSNP rs79507351, ClinGen allele CA10644582.